The following is an entry in ClinVar:

NM_006005.3(WFS1):c.2141A>C (p.Asn714Thr)

Gene: WFS1 (wolframin ER transmembrane glycoprotein; plus strand). Cytogenetic location: 4p16.1.
Variant type: single nucleotide variant.
Coding change: c.2141A>C on transcript NM_006005.3 (MANE Select); coding-DNA position 2141, A replaced by C.
Protein change: p.Asn714Thr; replaces asparagine 714 with threonine.
Molecular consequence: missense variant.
Genome position (GRCh38, 1-based): chr4:6,301,936, A>C. VCF-style: chr4-6301936-A-C. GRCh37 (hg19) VCF-style: chr4-6303663-A-C.
Other names: c.2141A>C, p.Asn714Thr (NM_001145853.1); short protein forms N714T.
Identifiers: ClinVar variation 45447 (VCV000045447.5), dbSNP rs397517196, ClinGen allele CA261752.

ClinVar aggregate classification (germline): Pathogenic (1 of 4 stars; one submission).

Conditions:
Rare genetic deafness. Identifiers: Orphanet 96210, MedGen C5680250.

Submission:

Laboratory for Molecular Medicine, Mass General Brigham Personalized Medicine
Classification: Pathogenic for Rare genetic deafness. Last evaluated: 2013-08-15. Review status: criteria provided, single submitter. Criteria: LMM Criteria. Collection method: clinical testing. Allele origin: germline. Inheritance: Autosomal dominant inheritance. Observed: 3 variant alleles.
Comment: Frequency data from large population studies is insufficient. Computational analyses (biochemical am ino acid properties, conservation, AlignGVGD, PolyPhen2, and SIFT) are consisten t with pathogenicity. In summary, this variant meets criteria for classification as pathogenic.